The following is an entry in ClinVar:

ClinVar aggregate classification (germline): Uncertain significance (1 of 4 stars; one submission).

Allele frequency attached by ClinVar (database versions not stated): gnomAD 0.00001.

Submission:

Labcorp Genetics (formerly Invitae), Labcorp
Classification: Uncertain significance. Last evaluated: 2022-07-18. Review status: criteria provided, single submitter. Criteria: Invitae Variant Classification Sherloc (09022015). Collection method: clinical testing. Allele origin: germline.
Comment: Algorithms developed to predict the effect of missense changes on protein structure and function (SIFT, PolyPhen-2, Align-GVGD) all suggest that this variant is likely to be tolerated. This variant has not been reported in the literature in individuals affected with ADGRV1-related conditions. This variant is present in population databases (no rsID available, gnomAD 0.007%). This sequence change replaces phenylalanine, which is neutral and non-polar, with leucine, which is neutral and non-polar, at codon 3484 of the ADGRV1 protein (p.Phe3484Leu). In summary, the available evidence is currently insufficient to determine the role of this variant in disease. Therefore, it has been classified as a Variant of Uncertain Significance.

NM_032119.4(ADGRV1):c.10450T>C (p.Phe3484Leu)

Gene: ADGRV1 (adhesion G protein-coupled receptor V1; plus strand). Cytogenetic location: 5q14.3.
Variant type: single nucleotide variant.
Coding change: c.10450T>C on transcript NM_032119.4 (MANE Select); coding-DNA position 10450, T replaced by C.
Protein change: p.Phe3484Leu; replaces phenylalanine 3484 with leucine.
Molecular consequence: missense variant. On other transcripts: non-coding transcript variant (1).
Genome position (GRCh38, 1-based): chr5:90,729,665, T>C. VCF-style: chr5-90729665-T-C. GRCh37 (hg19) VCF-style: chr5-90025482-T-C.
Other names: short protein forms F3484L.
Identifiers: ClinVar variation 1971753 (VCV001971753.5), dbSNP rs1363547867, ClinGen allele CA360405219.